The following continues an entry in ClinVar:

NM_006767.4(LZTR1):c.842C>T (p.Pro281Leu)

Gene: LZTR1. ClinVar aggregate classification (germline): Pathogenic. Pathogenic (1).

Submissions 7 to 14 of 14:

Women's Health and Genetics/Laboratory Corporation of America, LabCorp
Classification: Likely pathogenic for RASopathy. Last evaluated: 2025-05-05. Review status: criteria provided, single submitter. Criteria: LabCorp Variant Classification Summary - May 2015. Collection method: clinical testing. Allele origin: germline. Not counted in ClinVar's aggregate classification.
Comment: Variant summary: LZTR1 c.842C>T (p.Pro281Leu) results in a non-conservative amino acid change located in the a kelch repeat (IPR006652) of the encoded protein sequence. Five of five in-silico tools predict a damaging effect of the variant on protein function. The frequency data for this variant in gnomAD v2 is considered unreliable, as metrics indicate poor data quality at this position. The variant allele was found at a frequency of 6.9e-06 in 1603876 control chromosomes in gnomAD v4. This frequency is not significantly higher than estimated for a pathogenic variant in LZTR1 causing Schwannomatosis, allowing no conclusion about variant significance although the observed variant frequency is approximately 1.4 fold of the estimated maximal expected allele frequency for a pathogenic variant in LZTR1 causing Noonan Syndrome And Related Conditions phenotype (5e-06). However, the presence of Biobank specimens in the gnomAD v4 database confounds the consideration of this data and therefore are not considered in the context of this evaluation (personal correspondence, Clingen Rasopathy Expert Panel, 2025). c.842C>T has been reported in the literature in at-least one individual affected with Schwannomatosis (example Louvrier_2018 cited in Mastromoro_2024 and Uliana_2024). Additionally, it has reportedly been observed as a de-novo finding in an individual with features of Noonan Syndrome tested at another laboratory (external communication) and as a variant of unknown origin in at-least one individual with clinical features of Noonan Syndrome tested at our laboratory. To our knowledge, no experimental evidence demonstrating an impact on protein function has been reported. The following publications have been ascertained in the context of this evaluation (PMID: 18948947, 29409008, 39140257, 24362817, 39062695). ClinVar contains an entry for this variant (Variation ID: 561683). Based on the evidence outlined above, the variant was classified as likely pathogenic for LZTR1-related conditions (AD Schwannomatosis, AD Noonan Syndrome)

Ambry Genetics
Classification: Pathogenic for Cardiovascular phenotype; Hereditary cancer-predisposing syndrome. Last evaluated: 2025-02-26. Review status: criteria provided, single submitter. Criteria: Ambry Variant Classification Scheme 2023. Collection method: clinical testing. Allele origin: germline. Not counted in ClinVar's aggregate classification.
Comment: The p.P281L pathogenic mutation (also known as c.842C>T), located in coding exon 9 of the LZTR1 gene, results from a C to T substitution at nucleotide position 842. The proline at codon 281 is replaced by leucine, an amino acid with similar properties. This variant was reported in individual(s) with features consistent with Noonan syndrome; in at least one individual, it was determined to be de novo (Ambry internal data; external communication). In addition, this alteration was detected in individuals with schwannomas (Louvrier C et al. Neuro Oncol, 2018 06;20:917-929; Ambry internal data). This amino acid position is highly conserved in available vertebrate species. This amino acid position is highly conserved in available vertebrate species. In addition, the in silico prediction for this alteration is inconclusive. Based on the supporting evidence, this variant is pathogenic for autosomal dominant Noonan syndrome; however, the association of this alteration with an increased risk of LZTR1-related schwannomatosis (SWN) is unknown.

Victorian Clinical Genetics Services, Murdoch Childrens Research Institute
Classification: Likely pathogenic for Noonan syndrome 10. Last evaluated: 2024-11-12. Review status: criteria provided, single submitter. Criteria: ACMG Guidelines, 2015. Collection method: clinical testing. Allele origin: germline. Affected: yes. Not counted in ClinVar's aggregate classification.
Comment: This variant is classified as Likely pathogenic. Evidence in support of pathogenic classification: Variant is present in gnomAD <0.01 (v4: 11 heterozygote(s), 0 homozygote(s)); This variant has strong previous evidence of pathogenicity in unrelated individuals. This variant has been classified as pathogenic, likely pathogenic, and VUS by clinical laboratories in ClinVar. Personal correspondence with clinical laboratories identified multiple unrelated individuals with LZTR1-related features, including confirmed de novo cases with features consistent with Noonan syndrome and an individual with cerebellar glioneural tumor and bilateral schwannomas on feet. This variant has also been reported as a VUS in an individual with a schwannomatosis diagnosis (PMID: 29409008); Additional information: Variant is predicted to result in a missense amino acid change from proline to leucine; This variant is heterozygous; This gene is associated with both recessive and dominant disease; An alternative amino acid change at the same position has been observed in gnomAD (v4: 1 heterozygote(s), 0 homozygote(s)); No published functional evidence has been identified for this variant; Other missense variants comparable to the one identified in this case have inconclusive previous evidence for pathogenicity. p.(Pro281Gln) and p.(Pro281Arg) have VUS classifications in ClinVar by clinical laboratories; Variant is located in the annotated PLN01923 nitrile-specifier protein region (PMID: 39062695); Missense variant with conflicting in silico predictions and high conservation; Loss of function is a known mechanism of disease in this gene and is associated with autosomal recessive Noonan syndrome 2 (MIM#605275). Dominant negative is the mechanism suspected for autosomal dominant Noonan syndrome 10 (MIM#616564).

GeneDx
Classification: Pathogenic. Last evaluated: 2024-08-14. Review status: criteria provided, single submitter. Criteria: GeneDx Variant Classification Process June 2021. Collection method: clinical testing. Allele origin: germline. Affected: yes. Not counted in ClinVar's aggregate classification.
Comment: Observed in an individual with schwannomatosis (PMID: 29409008); Not observed at significant frequency in large population cohorts (gnomAD); In silico analysis supports that this missense variant has a deleterious effect on protein structure/function; This variant is associated with the following publications: (PMID: 24362817, 18948947, 29409008)

Blueprint Genetics
Classification: Uncertain significance. Last evaluated: 2023-03-31. Review status: criteria provided, single submitter. Criteria: ACMG Guidelines, 2015. Collection method: clinical testing. Allele origin: germline. Not counted in ClinVar's aggregate classification.

CeGaT Center for Human Genetics Tuebingen
Classification: Uncertain significance. Last evaluated: 2022-03-01. Review status: criteria provided, single submitter. Criteria: CeGaT Center For Human Genetics Tuebingen Variant Classification Criteria Version 2. Collection method: clinical testing. Allele origin: germline. Affected: yes. Observed: 3 variant alleles. Not counted in ClinVar's aggregate classification.
Comment: LZTR1: PP3, PS2:Supporting

Baylor Genetics
Classification: Uncertain significance for Noonan syndrome 10. Last evaluated: 2020-02-05. Review status: criteria provided, single submitter. Criteria: ACMG Guidelines, 2015. Collection method: clinical testing. Allele origin: de novo. Affected: yes. Not counted in ClinVar's aggregate classification.
Comment: This variant was determined to be of uncertain significance according to ACMG Guidelines, 2015 [PMID:25741868].

Juno Genomics, Hangzhou Juno Genomics, Inc
Classification: Pathogenic for LZTR1-related schwannomatosis. Review status: criteria provided, single submitter. Criteria: ACMG Guidelines, 2015. Collection method: clinical testing. Allele origin: germline. Affected: yes. Not counted in ClinVar's aggregate classification.
Comment: Absent from controls (or at extremely low frequency if recessive) in Genome Aggregation Database.;De novo (both maternity and paternity confirmed) in a patient with the disease and no family history.;The prevalence of the variant in affected individuals is significantly increased compared to the prevalence in controls.

Literature cited by the submitters: PubMed 29409008 (cited by 4 submitters); PubMed 24362817 (cited by Women's Health and Genetics/Laboratory Corporation of America, LabCorp); PubMed 18948947 (cited by Women's Health and Genetics/Laboratory Corporation of America, LabCorp); PubMed 39062695 (cited by Women's Health and Genetics/Laboratory Corporation of America, LabCorp and Victorian Clinical Genetics Services, Murdoch Childrens Research Institute); PubMed 39140257 (cited by Women's Health and Genetics/Laboratory Corporation of America, LabCorp).